The following is an entry in ClinVar:

NM_001080477.4(TENM3):c.6510G>C (p.Leu2170=)

Gene: TENM3 (teneurin transmembrane protein 3; plus strand). Cytogenetic location: 4q35.1.
Variant type: single nucleotide variant.
Coding change: c.6510G>C on transcript NM_001080477.4 (MANE Select); coding-DNA position 6510, G replaced by C.
Protein change: p.Leu2170=; no amino-acid change (leucine 2170 retained).
Molecular consequence: synonymous variant.
Genome position (GRCh38, 1-based): chr4:182,793,182, G>C. VCF-style: chr4-182793182-G-C. GRCh37 (hg19) VCF-style: chr4-183714335-G-C.
Other names: c.5742G>C, p.Leu1914= (NM_001415960.1); c.5715G>C, p.Leu1905= (NM_001415961.1); c.5712G>C, p.Leu1904= (NM_001415962.1); c.5694G>C, p.Leu1898= (NM_001415963.1); c.5691G>C, p.Leu1897= (NM_001415964.1); c.6228G>C, p.Leu2076= (NM_001415966.1); c.6252G>C, p.Leu2084= (NM_001415967.1); c.6528G>C, p.Leu2176= (NM_001415968.1); and 4 more.
Identifiers: ClinVar variation 3036605 (VCV003036605.2), dbSNP rs892491327, ClinGen allele CA111778724.

ClinVar aggregate classification (germline): Likely benign (0 of 4 stars; one submission).

Conditions:
TENM3-related disorder. Also called: TENM3-related condition.

Allele frequency attached by ClinVar (database versions not stated): gnomAD 0.00004; TOPMed 0.00004.
gnomAD v4.1: 31 of 1,613,890 alleles (0.0019%); highest among the groups gnomAD compares: African/African-American, 0.024%; no homozygotes.

Submission:

PreventionGenetics, part of Exact Sciences
Classification: Likely benign for TENM3-related condition. Last evaluated: 2021-02-22. Review status: no assertion criteria provided. Collection method: clinical testing. Allele origin: germline.
Comment: This variant is classified as likely benign based on ACMG/AMP sequence variant interpretation guidelines (Richards et al. 2015 PMID: 25741868, with internal and published modifications).